The following is an entry in ClinVar:

ClinVar aggregate classification (germline): Uncertain significance (1 of 4 stars; one submission).

Conditions:
Early Myoclonic Encephalopathy. Identifiers: MedGen C0270855.

Submission:

Labcorp Genetics (formerly Invitae), Labcorp
Classification: Uncertain significance for Early Myoclonic Encephalopathy. Last evaluated: 2025-06-27. Review status: criteria provided, single submitter. Criteria: Invitae Variant Classification Sherloc (09022015). Collection method: clinical testing. Allele origin: germline.
Comment: This sequence change replaces serine, which is neutral and polar, with proline, which is neutral and non-polar, at codon 880 of the JMJD1C protein (p.Ser880Pro). Information on the frequency of this variant in the gnomAD database is not available, as this variant may be reported differently in the database. This missense change has been observed in individual(s) with intracranial germ cell tumors (PMID: 24896186). ClinVar contains an entry for this variant (Variation ID: 573145). An algorithm developed to predict the effect of missense changes on protein structure and function outputs the following: PolyPhen-2: "Not Available". The proline amino acid residue is found in multiple mammalian species, which suggests that this missense change does not adversely affect protein function. In summary, the available evidence is currently insufficient to determine the role of this variant in disease. Therefore, it has been classified as a Variant of Uncertain Significance.

Literature cited by the submitters: PubMed 24896186.

NM_032776.3(JMJD1C):c.2637_2638delinsGC (p.Ser880Pro)

Gene: JMJD1C (jumonji domain containing 1C; minus strand). Cytogenetic location: 10q21.3.
Variant type: Indel.
Coding change: c.2637_2638delinsGC on transcript NM_032776.3 (MANE Select); coding-DNA positions 2637 to 2638, TT replaced by GC.
Protein change: p.Ser880Pro; replaces serine 880 with proline.
Molecular consequence: missense variant. On other transcripts: non-coding transcript variant (1).
Genome position (GRCh38, 1-based): chr10:63,213,529-63,213,530, AA replaced by GC on the plus strand (TT replaced by GC on the coding strand, the reverse complement: JMJD1C is on the minus strand). VCF-style: chr10-63213529-AA-GC. GRCh37 (hg19) VCF-style: chr10-64973289-AA-GC.
Other names: c.2091_2092delinsGC, p.Ser698Pro (NM_001282948.2, NM_001318154.2); c.1773_1774delinsGC, p.Ser592Pro (NM_001318153.2); c.2523_2524delinsGC, p.Ser842Pro (NM_001322252.2); c.1980_1981delinsGC, p.Ser661Pro (NM_001322254.2, NM_001322258.2); short protein forms S661P, S592P, S698P, S880P, S842P.
Identifiers: ClinVar variation 573145 (VCV000573145.7), dbSNP rs1564618479, ClinGen allele CA645549919.